The following is an entry in ClinVar:

NM_004415.4(DSP):c.6055G>A (p.Ala2019Thr)

Gene: DSP (desmoplakin; plus strand). Cytogenetic location: 6p24.3.
Variant type: single nucleotide variant.
Coding change: c.6055G>A on transcript NM_004415.4 (MANE Select); coding-DNA position 6055, G replaced by A.
Protein change: p.Ala2019Thr; replaces alanine 2019 with threonine.
Molecular consequence: missense variant.
Genome position (GRCh38, 1-based): chr6:7,583,317, G>A. VCF-style: chr6-7583317-G-A. GRCh37 (hg19) VCF-style: chr6-7583550-G-A.
Other names: c.4258G>A, p.Ala1420Thr (NM_001008844.3); c.4726G>A, p.Ala1576Thr (NM_001319034.2); short protein forms A1576T, A2019T, A1420T.
Identifiers: ClinVar variation 922019 (VCV000922019.14), dbSNP rs771974957, ClinGen allele CA046727.

ClinVar aggregate classification (germline): Conflicting classifications of pathogenicity. Review status: criteria provided, conflicting classifications (1 of 4 stars). 5 submissions from 5 submitters: Uncertain significance (4); Likely benign (1). Last evaluated 2025-08-25.

Conditions:
Arrhythmogenic right ventricular dysplasia 8 (ARVD8). Also called: Arrhythmogenic Right Ventricular Dysplasia/Cardiomyopathy 8; ARRHYTHMOGENIC RIGHT VENTRICULAR DYSPLASIA, FAMILIAL, 8; ARRHYTHMOGENIC RIGHT VENTRICULAR CARDIOMYOPATHY 8. Identifiers: MedGen C1843896, MONDO:0011831, OMIM 607450.
Arrhythmogenic cardiomyopathy with wooly hair and keratoderma. Also called: PALMOPLANTAR KERATODERMA WITH LEFT VENTRICULAR CARDIOMYOPATHY AND WOOLLY HAIR; Carvajal syndrome; Dilated cardiomyopathy with woolly hair and keratoderma; Arrhythmogenic cardiomyopathy with woolly hair and keratoderma. Identifiers: Orphanet 65282, MedGen C1854063, MONDO:0011581, OMIM 605676.
Cardiovascular phenotype. Identifiers: MedGen CN230736.
Woolly hair-skin fragility syndrome (WHSF). Identifiers: Orphanet 293165, MedGen C1843292, MONDO:0957307, OMIM 620415.
Cardiomyopathy, dilated, with wooly hair, keratoderma, and tooth agenesis. Also called: Cardiomyopathy, dilated, with woolly hair, keratoderma, and tooth agenesis; Erythrokeratodermia-cardiomyopathy syndrome. Identifiers: Orphanet 476096, Orphanet 65282, MedGen C4014393, MONDO:0014355, OMIM 615821.
Lethal acantholytic epidermolysis bullosa (EBLA). Identifiers: Orphanet 158687, MedGen C1864826, MONDO:0012323, OMIM 609638.
Keratosis palmoplantaris striata 2. Also called: KERATODERMA, PALMOPLANTAR, STRIATE FORM II; STRIATE PALMOPLANTAR KERATODERMA II; Keratosis palmoplantaris striata II. Identifiers: MedGen C1852127, MONDO:0013034, OMIM 612908.
Cardiomyopathy (CMYO). Also called: Cardiomyopathies. Identifiers: Orphanet 167848, MedGen C0878544, MONDO:0004994, HP:0001638. Inheritance: Various modes of inheritance.

gnomAD v4.1: 25 of 1,614,042 alleles (0.0015%); highest among the groups gnomAD compares: East Asian, 0.0045%; no homozygotes.

Submissions (5):

Color Diagnostics, LLC DBA Color Health
Classification: Uncertain significance for Cardiomyopathy. Last evaluated: 2025-08-25. Review status: criteria provided, single submitter. Criteria: ACMG Guidelines, 2015. Collection method: clinical testing. Allele origin: germline.
Comment: This missense variant replaces alanine with threonine at codon 2019 of the DSP protein. Computational prediction is inconclusive regarding the impact of this variant on protein structure and function. To our knowledge, functional studies have not been reported for this variant. This variant has not been reported in individuals affected with DSP-related disorders in the literature. This variant has been identified in 2/282204 chromosomes in the general population by the Genome Aggregation Database (gnomAD). The available evidence is insufficient to determine the role of this variant in disease conclusively. Therefore, this variant is classified as a Variant of Uncertain Significance.

Ambry Genetics
Classification: Uncertain significance for Cardiovascular phenotype. Last evaluated: 2025-04-23. Review status: criteria provided, single submitter. Criteria: Ambry Variant Classification Scheme 2023. Collection method: clinical testing. Allele origin: germline.
Comment: The p.A2019T variant (also known as c.6055G>A), located in coding exon 24 of the DSP gene, results from a G to A substitution at nucleotide position 6055. The alanine at codon 2019 is replaced by threonine, an amino acid with similar properties. This variant has been reported in a sudden unexplained death cohort (Kotta MC et al. J Am Heart Assoc, 2023 Sep;12:e029100). This amino acid position is highly conserved in available vertebrate species. In addition, the in silico prediction for this alteration is inconclusive. Based on the available evidence, the clinical significance of this variant remains unclear.

All of Us Research Program, National Institutes of Health
Classification: Uncertain significance for Arrhythmogenic cardiomyopathy with wooly hair and keratoderma. Last evaluated: 2023-08-23. Review status: criteria provided, single submitter. Criteria: ACMG Guidelines, 2015. Collection method: clinical testing. Allele origin: germline. Inheritance: Autosomal dominant inheritance. Observed: 5 variant alleles, 5 heterozygotes.
Comment: This missense variant replaces alanine with threonine at codon 2019 of the DSP protein. Computational prediction is inconclusive regarding the impact of this variant on protein structure and function (internally defined REVEL score threshold 0.5 < inconclusive < 0.7, PMID: 27666373). To our knowledge, functional studies have not been reported for this variant. This variant has not been reported in individuals affected with DSP-related disorders in the literature. This variant has been identified in 2/282204 chromosomes in the general population by the Genome Aggregation Database (gnomAD). The available evidence is insufficient to determine the role of this variant in disease conclusively. Therefore, this variant is classified as a Variant of Uncertain Significance.

This study involves interpretation of variants in research participants for the purpose of population health screening. Participant phenotype was not available at the time of variant classification. Additional details can be found in publication PMID: 35346344, PMCID: PMC8962531

Labcorp Genetics (formerly Invitae), Labcorp
Classification: Likely benign for Arrhythmogenic cardiomyopathy with wooly hair and keratoderma; Arrhythmogenic right ventricular dysplasia 8. Last evaluated: 2022-07-15. Review status: criteria provided, single submitter. Criteria: Invitae Variant Classification Sherloc (09022015). Collection method: clinical testing. Allele origin: germline.

Fulgent Genetics
Classification: Uncertain significance for Arrhythmogenic cardiomyopathy with wooly hair and keratoderma; Arrhythmogenic right ventricular dysplasia 8; Lethal acantholytic epidermolysis bullosa; Keratosis palmoplantaris striata 2; Cardiomyopathy, dilated, with wooly hair, keratoderma, and tooth agenesis. Last evaluated: 2021-07-07. Review status: criteria provided, single submitter. Criteria: ACMG Guidelines, 2015. Collection method: clinical testing. Allele origin: unknown.

Literature cited by the submitters: PubMed 37589201 (cited by Ambry Genetics).